The following is an entry in ClinVar:

ClinVar aggregate classification (germline): Pathogenic (1 of 4 stars; one submission).

Conditions:
Hereditary breast ovarian cancer syndrome. Also called: Hereditary breast and ovarian cancer syndrome; Hereditary breast and/or ovarian cancer syndrome; Hereditary breast and ovarian cancer; Hereditary breast and ovarian cancer syndrome (HBOC); BRCA1- and BRCA2-Associated Hereditary Breast and Ovarian Cancer; Breast and ovarian cancer. Identifiers: Orphanet 145, MedGen C0677776, MeSH D061325, MONDO:0003582. Disease mechanism: loss of function.

Submission:

Women's Health and Genetics/Laboratory Corporation of America, LabCorp
Classification: Pathogenic for Hereditary breast ovarian cancer syndrome. Last evaluated: 2025-04-16. Review status: criteria provided, single submitter. Criteria: LabCorp Variant Classification Summary - May 2015. Collection method: clinical testing. Allele origin: germline.
Comment: Variant summary: The variant involves the deletion of exon 15 in the BRCA2 gene. A presumed nomenclature of c.(7435+1_7436-1)_(7617+1_7618-1)del has been designated for the purposes of this classification. This Copy Number Variant (CNV) is expected to alter the reading frame and predicted to result in a truncation or absence of the encoded protein due to nonsense mediated decay (NMD). The variant was absent in 21692 control chromosomes. To our knowledge, no occurrence of c.(7435+1_7436-1)_(7617+1_7618-1)del in individuals affected with Hereditary Breast And Ovarian Cancer Syndrome and no experimental evidence demonstrating its impact on protein function have been reported. ClinVar contains an entry for this variant (Variation ID: 583537). Based on the evidence outlined above, the variant was classified as pathogenic.

NC_000013.10:g.(32929426_32930564)_(32930747_32931878)del

Gene: BRCA2 (BRCA2 DNA repair associated; plus strand). Cytogenetic location: 13q13.1.
Variant type: Deletion.
Identifiers: ClinVar variation 3896237 (VCV003896237.2).